The following is an entry in ClinVar:

ClinVar aggregate classification (germline): Uncertain significance (1 of 4 stars; one submission).

Allele frequency attached by ClinVar (database versions not stated): gnomAD exomes 0.00001; ExAC 0.00012.
gnomAD v4.1: 17 of 1,608,984 alleles (0.0011%); highest among the groups gnomAD compares: Non-Finnish European, 0.0012%; no homozygotes.

Submission:

Labcorp Genetics (formerly Invitae), Labcorp
Classification: Uncertain significance. Last evaluated: 2024-12-02. Review status: criteria provided, single submitter. Criteria: Invitae Variant Classification Sherloc (09022015). Collection method: clinical testing. Allele origin: germline.
Comment: This sequence change replaces glutamic acid, which is acidic and polar, with aspartic acid, which is acidic and polar, at codon 668 of the AP3B2 protein (p.Glu668Asp). This variant is present in population databases (rs748114419, gnomAD 0.007%). This variant has not been reported in the literature in individuals affected with AP3B2-related conditions. ClinVar contains an entry for this variant (Variation ID: 1953086). An algorithm developed to predict the effect of missense changes on protein structure and function outputs the following: PolyPhen-2: "Benign". The aspartic acid amino acid residue is found in multiple mammalian species, which suggests that this missense change does not adversely affect protein function. In summary, the available evidence is currently insufficient to determine the role of this variant in disease. Therefore, it has been classified as a Variant of Uncertain Significance.

NM_001278512.2(AP3B2):c.2061G>C (p.Glu687Asp)

Genes: AP3B2 (adaptor related protein complex 3 subunit beta 2; minus strand), CPEB1-AS1 (CPEB1 antisense RNA 1; plus strand). Cytogenetic location: 15q25.2.
Variant type: single nucleotide variant.
Coding change: c.2061G>C on transcript NM_001278512.2 (MANE Select); coding-DNA position 2061, G replaced by C.
Protein change: p.Glu687Asp; replaces glutamic acid 687 with aspartic acid.
Molecular consequence: missense variant.
Genome position (GRCh38, 1-based): chr15:82,664,911, C>G on the plus strand (G>C on the coding strand, the complement: AP3B2 is on the minus strand). VCF-style: chr15-82664911-C-G. GRCh37 (hg19) VCF-style: chr15-83333663-C-G.
Other names: c.1908G>C, p.Glu636Asp (NM_001278511.2); c.2004G>C, p.Glu668Asp (NM_004644.5); short protein forms E636D, E668D, E687D.
Identifiers: ClinVar variation 1953086 (VCV001953086.4), dbSNP rs748114419, ClinGen allele CA7700024.